The following is an entry in ClinVar:

ClinVar aggregate classification (germline): Uncertain significance (1 of 4 stars; one submission).

Submission:

Labcorp Genetics (formerly Invitae), Labcorp
Classification: Uncertain significance. Last evaluated: 2025-08-14. Review status: criteria provided, single submitter. Criteria: Invitae Variant Classification Sherloc (09022015). Collection method: clinical testing. Allele origin: germline.
Comment: This variant, c.1485_1487dup, results in the insertion of 1 amino acid(s) of the LZTS1 protein (p.Glu495dup), but otherwise preserves the integrity of the reading frame. This variant is not present in population databases (gnomAD no frequency). This variant has not been reported in the literature in individuals affected with LZTS1-related conditions. In summary, the available evidence is currently insufficient to determine the role of this variant in disease. Therefore, it has been classified as a Variant of Uncertain Significance.

NM_021020.5(LZTS1):c.1485_1487dup (p.Glu495_Asp496insGlu)

Gene: LZTS1 (leucine zipper tumor suppressor 1; minus strand). Cytogenetic location: 8p21.3.
Variant type: Duplication.
Coding change: c.1485_1487dup on transcript NM_021020.5 (MANE Select); coding-DNA positions 1485 to 1487, 3 bases duplicated (GGA; older notation c.1485_1487dupGGA).
Protein change: p.Glu495_Asp496insGlu.
Molecular consequence: inframe insertion.
Genome position (GRCh38, 1-based): chr8:20,250,026-20,250,028, TCC duplicated on the plus strand (GGA on the coding strand, the reverse complement: LZTS1 is on the minus strand); duplicating any 3 consecutive bases within chr8:20,250,026-20,250,030 gives the same sequence; the c. name uses the placement nearest the transcript's 3' end. VCF-style (leftmost placement, unchanged base first): chr8-20250025-G-GTCC. GRCh37 (hg19) VCF-style: chr8-20107536-G-GTCC.
Other names: c.1485_1487dup, p.Glu495_Asp496insGlu (NM_001362884.2).
Identifiers: ClinVar variation 4725448 (VCV004725448.1).
Genomic context (GRCh38, chr8:20,250,025, plus strand): 5'-TTGCCGCTCCTCCCGCAGCTCGGCCCGCAGCCGCTCCAGCTCCCGCTGCAGGGCAGGGAC[G>GTCC]TCCTCGGGGAAGGTGGGCGGCCCCATGTCGCGGGCCAGGGCGGCCTGGGCCCGCAGCTCC-3'